The following is an entry in ClinVar:

ClinVar aggregate classification (germline): Likely pathogenic (0 of 4 stars; one submission).

Conditions:
Luscan-Lumish syndrome. Identifiers: Orphanet 597738, MedGen C4085873, MONDO:0014791, OMIM 616831.

Submission:

Clinical Genetics, Synlab MVZ Humangenetik Freiburg
Classification: Likely pathogenic for Luscan-Lumish syndrome. Last evaluated: 2023-03-22. Review status: no assertion criteria provided. Collection method: clinical testing. Allele origin: germline. Inheritance: Autosomal dominant inheritance. Affected: yes.
Comment: The SETD2 variant c.1717_1720del, p.F573Vfs*5, has not been described as pathogenic (HGMD Professional 2022.4) and is also not listed in control databases (dbSNP, gnomAD v2.1.1). The in silico analysis program MutationTaster evaluates the influence of the

NM_014159.7(SETD2):c.1717_1720del (p.Phe573fs)

Gene: SETD2 (SET domain containing 2, histone lysine methyltransferase; minus strand). Cytogenetic location: 3p21.31.
Variant type: Microsatellite.
Coding change: c.1717_1720del on transcript NM_014159.7 (MANE Select); coding-DNA positions 1717 to 1720, 4 bases deleted (TTCT; older notation c.1717_1720delTTCT).
Protein change: p.Phe573fs; shifts the reading frame from phenylalanine 573.
Molecular consequence: frameshift variant. On other transcripts: non-coding transcript variant (1).
Genome position (GRCh38, 1-based): chr3:47,122,916-47,122,919, AGAA deleted on the plus strand (TTCT on the coding strand, the reverse complement: SETD2 is on the minus strand); deleting any 4 consecutive bases within chr3:47,122,916-47,122,923 gives the same sequence; the c. name uses the placement nearest the transcript's 3' end. VCF-style (leftmost placement, unchanged base first): chr3-47122915-CAGAA-C. GRCh37 (hg19) VCF-style: chr3-47164405-CAGAA-C.
Other names: c.1585_1588del, p.Phe529fs (NM_001349370.3); short protein forms F529fs, F573fs.
Identifiers: ClinVar variation 2506384 (VCV002506384.1), dbSNP rs2545640830, ClinGen allele CA2580614222.